The following is an entry in ClinVar:

ClinVar aggregate classification (germline): Conflicting classifications of pathogenicity. Review status: criteria provided, conflicting classifications (1 of 4 stars). 3 submissions from 3 submitters: Uncertain significance (1); Likely benign (1). 1 of the submissions does not count toward it. Last evaluated 2026-01-14.

Conditions:
Bethlem myopathy 1A. Also called: Bethlem Muscular Dystrophy; Bethlem myopathy 1; MYOPATHY, BENIGN CONGENITAL, WITH CONTRACTURES. Identifiers: Orphanet 610, MedGen CN029274, MONDO:0024530, OMIM 158810.
COL6A3-related disorder. Also called: COL6A3-related disorders; COL6A3-related condition.

Allele frequency attached by ClinVar (database versions not stated): 1000 Genomes Project 0.00060; 1000 Genomes Project 30x 0.00062; gnomAD exomes 0.00003 and 0.00014; ExAC 0.00018; gnomAD 0.00032 and 0.00033; ESP Exome Variant Server 0.00038; TOPMed 0.00040.
gnomAD v4.1: 103 of 1,613,602 alleles (0.0064%); highest among the groups gnomAD compares: African/African-American, 0.091%; no homozygotes.

Submissions (3):

Labcorp Genetics (formerly Invitae), Labcorp
Classification: Likely benign for Bethlem myopathy 1A. Last evaluated: 2026-01-14. Review status: criteria provided, single submitter. Criteria: Invitae Variant Classification Sherloc (09022015). Collection method: clinical testing. Allele origin: germline.

Eurofins Ntd Llc (ga)
Classification: Uncertain significance. Last evaluated: 2018-07-19. Review status: criteria provided, single submitter. Criteria: EGL ClinVar v180209 classification definitions. Collection method: clinical testing. Allele origin: germline. Observed: 1 variant allele, 1 heterozygote.

PreventionGenetics, part of Exact Sciences
Classification: Likely benign for COL6A3-related condition. Last evaluated: 2019-04-11. Review status: no assertion criteria provided. Collection method: clinical testing. Allele origin: germline. Not counted in ClinVar's aggregate classification.
Comment: This variant is classified as likely benign based on ACMG/AMP sequence variant interpretation guidelines (Richards et al. 2015 PMID: 25741868, with internal and published modifications).

NM_004369.4(COL6A3):c.9339G>A (p.Lys3113=)

Gene: COL6A3 (collagen type VI alpha 3 chain; minus strand). Cytogenetic location: 2q37.3.
Variant type: single nucleotide variant.
Coding change: c.9339G>A on transcript NM_004369.4 (MANE Select); coding-DNA position 9339, G replaced by A.
Protein change: p.Lys3113=; no amino-acid change (lysine 3113 retained).
Molecular consequence: synonymous variant.
Genome position (GRCh38, 1-based): chr2:237,325,714, C>T on the plus strand (G>A on the coding strand, the complement: COL6A3 is on the minus strand). VCF-style: chr2-237325714-C-T. GRCh37 (hg19) VCF-style: chr2-238234357-C-T.
Other names: c.9339G>A (NM_004369.3); c.7518G>A, p.Lys2506= (NM_057166.5); c.8721G>A, p.Lys2907= (NM_057167.4).
Identifiers: ClinVar variation 598068 (VCV000598068.18), dbSNP rs113422196, ClinGen allele CA2187288.